The following is an entry in ClinVar:

NM_004341.5(CAD):c.547T>C (p.Cys183Arg)

Gene: CAD (carbamoyl-phosphate synthetase 2, aspartate transcarbamylase, and dihydroorotase; plus strand). Cytogenetic location: 2p23.3.
Variant type: single nucleotide variant.
Coding change: c.547T>C on transcript NM_004341.5 (MANE Select); coding-DNA position 547, T replaced by C.
Protein change: p.Cys183Arg; replaces cysteine 183 with arginine.
Molecular consequence: missense variant.
Genome position (GRCh38, 1-based): chr2:27,222,570, T>C. VCF-style: chr2-27222570-T-C. GRCh37 (hg19) VCF-style: chr2-27445438-T-C.
Other names: c.547T>C, p.Cys183Arg (NM_001306079.2); short protein forms C183R.
Identifiers: ClinVar variation 1426042 (VCV001426042.8), dbSNP rs2148059668, ClinGen allele CA346199660.
Genomic context (GRCh38, chr2:27,222,570, plus strand): 5'-ATTTCTCAGACTCCACGGGTATTCAATACAGGGGGTGCCCCTCGGATCCTTGCTTTGGAC[T>C]GTGGCCTCAAGTATAATCAGATCCGATGCCTCTGCCAGCGTGGGGCTGAGGTCACTGTGG-3'
Protein context (NP_004332.2, residues 173-193): GGAPRILALD[Cys183Arg]GLKYNQIRCL

ClinVar aggregate classification (germline): Uncertain significance (1 of 4 stars; one submission).

Submission:

Labcorp Genetics (formerly Invitae), Labcorp
Classification: Uncertain significance. Last evaluated: 2023-05-11. Review status: criteria provided, single submitter. Criteria: Invitae Variant Classification Sherloc (09022015). Collection method: clinical testing. Allele origin: germline.
Comment: ClinVar contains an entry for this variant (Variation ID: 1426042). This variant has not been reported in the literature in individuals affected with CAD-related conditions. This variant is not present in population databases (gnomAD no frequency). This sequence change replaces cysteine, which is neutral and slightly polar, with arginine, which is basic and polar, at codon 183 of the CAD protein (p.Cys183Arg). In summary, the available evidence is currently insufficient to determine the role of this variant in disease. Therefore, it has been classified as a Variant of Uncertain Significance. Advanced modeling of protein sequence and biophysical properties (such as structural, functional, and spatial information, amino acid conservation, physicochemical variation, residue mobility, and thermodynamic stability) performed at Invitae indicates that this missense variant is expected to disrupt CAD protein function.